The following is an entry in ClinVar:

ClinVar aggregate classification (germline): Uncertain significance (1 of 4 stars; one submission).

Submission:

Labcorp Genetics (formerly Invitae), Labcorp
Classification: Uncertain significance. Last evaluated: 2022-08-27. Review status: criteria provided, single submitter. Criteria: Invitae Variant Classification Sherloc (09022015). Collection method: clinical testing. Allele origin: germline.
Comment: This sequence change replaces lysine, which is basic and polar, with methionine, which is neutral and non-polar, at codon 4 of the TRPC3 protein (p.Lys4Met). This variant is not present in population databases (gnomAD no frequency). This variant has not been reported in the literature in individuals affected with TRPC3-related conditions. Algorithms developed to predict the effect of missense changes on protein structure and function are either unavailable or do not agree on the potential impact of this missense change (SIFT: "Deleterious"; PolyPhen-2: "Benign"; Align-GVGD: "Class C0"). Algorithms developed to predict the effect of sequence changes on RNA splicing suggest that this variant may disrupt the consensus splice site. In summary, the available evidence is currently insufficient to determine the role of this variant in disease. Therefore, it has been classified as a Variant of Uncertain Significance.

NM_001130698.2(TRPC3):c.11A>T (p.Lys4Met)

Genes: TRPC3 (transient receptor potential cation channel subfamily C member 3; minus strand), LOC129993038 (ATAC-STARR-seq lymphoblastoid silent region 15662; plus strand). Cytogenetic location: 4q27.
Variant type: single nucleotide variant.
Coding change: c.11A>T on transcript NM_001130698.2 (MANE Select); coding-DNA position 11, A replaced by T.
Protein change: p.Lys4Met; replaces lysine 4 with methionine.
Molecular consequence: missense variant.
Genome position (GRCh38, 1-based): chr4:121,951,670, T>A on the plus strand (A>T on the coding strand, the complement: TRPC3 is on the minus strand). VCF-style: chr4-121951670-T-A. GRCh37 (hg19) VCF-style: chr4-122872825-T-A.
Other names: c.11A>T, p.Lys4Met (NM_001366479.2); short protein forms K4M.
Identifiers: ClinVar variation 2027265 (VCV002027265.4), dbSNP rs2477074121, ClinGen allele CA358053883.
Genomic context (GRCh38, chr4:121,951,670, plus strand): 5'-TCTTCCTCCTCCTCCGGCGCCGGGAAGGTCACCCTTGCTTGTTCTTTGCACTTCCTGACC[T>A]TGGTGGACATCGCGCCGGCTGCGGTCCGAGTGTGGGGGTGCCGGCTGCCGGCCTCCTCCG-3'
Protein context (NP_001124170.1, residues 1-14): MST[Lys4Met]VRKCKEQARV